The following is an entry in ClinVar:

ClinVar aggregate classification (germline): Uncertain significance (1 of 4 stars; one submission).

Conditions:
Hereditary cancer-predisposing syndrome. Also called: Neoplastic Syndromes, Hereditary; Tumor predisposition; Hereditary Cancer Syndrome; Hereditary neoplastic syndrome. Identifiers: Orphanet 140162, MedGen C0027672, MeSH D009386, MONDO:0015356.

Submission:

Ambry Genetics
Classification: Uncertain significance for Hereditary cancer-predisposing syndrome. Last evaluated: 2019-11-27. Review status: criteria provided, single submitter. Criteria: Ambry Variant Classification Scheme 2023. Collection method: clinical testing. Allele origin: germline.
Comment: The p.I555K variant (also known as c.1664T>A), located in coding exon 11 of the RAD50 gene, results from a T to A substitution at nucleotide position 1664. The isoleucine at codon 555 is replaced by lysine, an amino acid with dissimilar properties. This amino acid position is well conserved in available vertebrate species. In addition, the in silico prediction for this alteration is inconclusive. Since supporting evidence is limited at this time, the clinical significance of this alteration remains unclear.

NM_005732.4(RAD50):c.1664T>A (p.Ile555Lys)

Gene: RAD50 (RAD50 double strand break repair protein; plus strand). Cytogenetic location: 5q31.1.
Variant type: single nucleotide variant.
Coding change: c.1664T>A on transcript NM_005732.4 (MANE Select); coding-DNA position 1664, T replaced by A.
Protein change: p.Ile555Lys; replaces isoleucine 555 with lysine.
Molecular consequence: missense variant.
Genome position (GRCh38, 1-based): chr5:132,591,905, T>A. VCF-style: chr5-132591905-T-A. GRCh37 (hg19) VCF-style: chr5-131927597-T-A.
Other names: short protein forms I555K.
Identifiers: ClinVar variation 819781 (VCV000819781.4), dbSNP rs1580994796, ClinGen allele CA360946384.